The following is an entry in ClinVar:

ClinVar aggregate classification (germline): Uncertain significance. Review status: criteria provided, multiple submitters, no conflicts (2 of 4 stars). 2 submissions from 2 submitters: Uncertain significance (2). Last evaluated 2026-07-19.

Conditions:
Inborn genetic diseases. Identifiers: MedGen C0950123, MeSH D030342.
Ellis-van Creveld syndrome (EVC). Also called: MESOECTODERMAL DYSPLASIA; Chondroectodermal dysplasia. Identifiers: Orphanet 289, MedGen C0013903, MONDO:0009162, OMIM 225500.
Curry-Hall syndrome (WAD). Also called: WEYERS ACRODENTAL DYSOSTOSIS. Identifiers: Orphanet 952, MedGen C0457013, MONDO:0008673, OMIM 193530.

Submissions (2):

Ambry Genetics
Classification: Uncertain significance for Inborn genetic diseases. Last evaluated: 2026-07-19. Review status: criteria provided, single submitter. Criteria: Ambry Variant Classification Scheme 2023. Collection method: clinical testing. Allele origin: germline.

Labcorp Genetics (formerly Invitae), Labcorp
Classification: Uncertain significance for Curry-Hall syndrome; Ellis-van Creveld syndrome. Last evaluated: 2022-04-29. Review status: criteria provided, single submitter. Criteria: Invitae Variant Classification Sherloc (09022015). Collection method: clinical testing. Allele origin: germline.
Comment: This sequence change replaces leucine, which is neutral and non-polar, with valine, which is neutral and non-polar, at codon 206 of the EVC2 protein (p.Leu206Val). This variant is not present in population databases (gnomAD no frequency). This variant has not been reported in the literature in individuals affected with EVC2-related conditions. Algorithms developed to predict the effect of missense changes on protein structure and function are either unavailable or do not agree on the potential impact of this missense change (SIFT: "Tolerated"; PolyPhen-2: "Possibly Damaging"; Align-GVGD: "Class C0"). In summary, the available evidence is currently insufficient to determine the role of this variant in disease. Therefore, it has been classified as a Variant of Uncertain Significance.

NM_147127.5(EVC2):c.616C>G (p.Leu206Val)

Gene: EVC2 (EvC ciliary complex subunit 2; minus strand). Cytogenetic location: 4p16.2.
Variant type: single nucleotide variant.
Coding change: c.616C>G on transcript NM_147127.5 (MANE Select); coding-DNA position 616, C replaced by G.
Protein change: p.Leu206Val; replaces leucine 206 with valine.
Molecular consequence: missense variant.
Genome position (GRCh38, 1-based): chr4:5,689,247, G>C on the plus strand (C>G on the coding strand, the complement: EVC2 is on the minus strand). VCF-style: chr4-5689247-G-C. GRCh37 (hg19) VCF-style: chr4-5690974-G-C.
Other names: c.376C>G, p.Leu126Val (NM_001166136.2); c.616C>G (NM_147127.4); short protein forms L126V, L206V.
Identifiers: ClinVar variation 2131753 (VCV002131753.2), dbSNP rs2475591223, ClinGen allele CA356148403.